The following is an entry in ClinVar:

NM_194277.3(FRMD7):c.595G>T (p.Gly199Trp)

Gene: FRMD7 (FERM domain containing 7; minus strand). Cytogenetic location: Xq26.2.
Variant type: single nucleotide variant.
Coding change: c.595G>T on transcript NM_194277.3 (MANE Select); coding-DNA position 595, G replaced by T.
Protein change: p.Gly199Trp; replaces glycine 199 with tryptophan.
Molecular consequence: missense variant.
Genome position (GRCh38, 1-based): chrX:132,085,631, C>A on the plus strand (G>T on the coding strand, the complement: FRMD7 is on the minus strand). VCF-style: chrX-132085631-C-A. GRCh37 (hg19) VCF-style: chrX-131219659-C-A.
Other names: c.550G>T, p.Gly184Trp (NM_001306193.2); short protein forms G184W, G199W.
Identifiers: ClinVar variation 2091793 (VCV002091793.5), dbSNP rs2520754627, ClinGen allele CA414681043.

ClinVar aggregate classification (germline): Conflicting classifications of pathogenicity. Review status: criteria provided, conflicting classifications (1 of 4 stars). 2 submissions from 2 submitters: Likely pathogenic (1); Uncertain significance (1). Last evaluated 2025-08-06.

Conditions:
Nystagmus 1, congenital, X-linked. Also called: FRMD7-Related Infantile Nystagmus; NYSTAGMUS 1, INFANTILE, X-LINKED; NYSTAGMUS, CONGENITAL MOTOR, 1; NYSTAGMUS, INFANTILE IDIOPATHIC; NYSTAGMUS, INFANTILE PERIODIC ALTERNATING, X-LINKED. Identifiers: MedGen C1839580, MONDO:0010693, OMIM 310700.

Submissions (2):

Institute of Human Genetics, University of Leipzig Medical Center
Classification: Likely pathogenic for Nystagmus 1, congenital, X-linked. Last evaluated: 2025-08-06. Review status: criteria provided, single submitter. Criteria: ACMG Guidelines, 2015. Collection method: clinical testing. Allele origin: unknown. Inheritance: X-linked recessive inheritance. Affected: yes.
Comment: Criteria applied: PM2,PM1_SUP,PP2,PP3,PP4

Labcorp Genetics (formerly Invitae), Labcorp
Classification: Uncertain significance. Last evaluated: 2023-05-16. Review status: criteria provided, single submitter. Criteria: Invitae Variant Classification Sherloc (09022015). Collection method: clinical testing. Allele origin: germline.
Comment: In summary, the available evidence is currently insufficient to determine the role of this variant in disease. Therefore, it has been classified as a Variant of Uncertain Significance. An algorithm developed to predict the effect of missense changes on protein structure and function (PolyPhen-2) suggests that this variant is likely to be disruptive. ClinVar contains an entry for this variant (Variation ID: 2091793). This variant has not been reported in the literature in individuals affected with FRMD7-related conditions. This variant is not present in population databases (gnomAD no frequency). This sequence change replaces glycine, which is neutral and non-polar, with tryptophan, which is neutral and slightly polar, at codon 199 of the FRMD7 protein (p.Gly199Trp).